The following is an entry in ClinVar:

ClinVar aggregate classification (germline): Uncertain significance (1 of 4 stars; one submission).

Conditions:
Developmental and epileptic encephalopathy, 27 (DEE27). Also called: GRIN2B-Related Neurodevelopmental Disorder; Epileptic encephalopathy, early infantile, 27. Identifiers: Orphanet 3451, MedGen C4015316, MONDO:0014505, OMIM 616139.
Intellectual developmental disorder, autosomal dominant 6, with or without seizures. Also called: Intellectual disability, autosomal dominant 6; GRIN2B-related developmental delay, intellectual disability and autism spectrum disorder. Identifiers: Orphanet 589547, MedGen C3151411, MONDO:0013509, OMIM 613970.

Submission:

Labcorp Genetics (formerly Invitae), Labcorp
Classification: Uncertain significance for Developmental and epileptic encephalopathy, 27; Intellectual developmental disorder, autosomal dominant 6, with or without seizures. Last evaluated: 2020-09-24. Review status: criteria provided, single submitter. Criteria: Invitae Variant Classification Sherloc (09022015). Collection method: clinical testing. Allele origin: germline.
Comment: In summary, the available evidence is currently insufficient to determine the role of this variant in disease. Therefore, it has been classified as a Variant of Uncertain Significance. Algorithms developed to predict the effect of missense changes on protein structure and function are either unavailable or do not agree on the potential impact of this missense change (SIFT: "Tolerated"; PolyPhen-2: "Probably Damaging"; Align-GVGD: "Class C0"). This variant has not been reported in the literature in individuals with GRIN2B-related conditions. This variant is not present in population databases (ExAC no frequency). This sequence change replaces threonine with asparagine at codon 493 of the GRIN2B protein (p.Thr493Asn). The threonine residue is highly conserved and there is a small physicochemical difference between threonine and asparagine.

NM_000834.5(GRIN2B):c.1478C>A (p.Thr493Asn)

Gene: GRIN2B (glutamate ionotropic receptor NMDA type subunit 2B; minus strand). Cytogenetic location: 12p13.1.
Variant type: single nucleotide variant.
Coding change: c.1478C>A on transcript NM_000834.5 (MANE Select); coding-DNA position 1478, C replaced by A.
Protein change: p.Thr493Asn; replaces threonine 493 with asparagine.
Molecular consequence: missense variant.
Genome position (GRCh38, 1-based): chr12:13,615,515, G>T on the plus strand (C>A on the coding strand, the complement: GRIN2B is on the minus strand). VCF-style: chr12-13615515-G-T. GRCh37 (hg19) VCF-style: chr12-13768449-G-T.
Other names: short protein forms T493N.
Identifiers: ClinVar variation 1059947 (VCV001059947.9), dbSNP rs2136479904, ClinGen allele CA384052078.
Genomic context (GRCh38, chr12:13,615,515, plus strand): 5'-TGAAAATGGAAATGGAAACAGCCCTTGTGGACACTCACCTCTCCAATCATACCATTCCAG[G>T]TTCCATTGATTTTCTTCCCATGCTTGCCATTGGTAACCAGGTAAAGGTCATAGGTGAACT-3'
Protein context (NP_000825.2, residues 483-503): NGKHGKKING[Thr493Asn]WNGMIGEVVM